The following is an entry in ClinVar:

ClinVar aggregate classification (germline): Uncertain significance (1 of 4 stars; one submission).

Conditions:
Candidiasis, familial, 9 (CANDF9). Identifiers: Orphanet 1334, MedGen C4225324, MONDO:0014642, OMIM 616445.

gnomAD v4.1: 1 of 1,613,304 alleles (0.000062%); highest among the groups gnomAD compares: Non-Finnish European, 0.000085%; no homozygotes.

Submission:

Labcorp Genetics (formerly Invitae), Labcorp
Classification: Uncertain significance for Candidiasis, familial, 9. Last evaluated: 2023-09-08. Review status: criteria provided, single submitter. Criteria: Invitae Variant Classification Sherloc (09022015). Collection method: clinical testing. Allele origin: germline.
Comment: In summary, the available evidence is currently insufficient to determine the role of this variant in disease. Therefore, it has been classified as a Variant of Uncertain Significance. This sequence change falls in intron 8 of the IL17RC gene. It does not directly change the encoded amino acid sequence of the IL17RC protein. It affects a nucleotide within the consensus splice site. This variant is present in population databases (rs377173896, gnomAD 0.0009%). This variant has not been reported in the literature in individuals affected with IL17RC-related conditions. Variants that disrupt the consensus splice site are a relatively common cause of aberrant splicing (PMID: 17576681, 9536098). Algorithms developed to predict the effect of sequence changes on RNA splicing suggest that this variant is not likely to affect RNA splicing.

Literature cited by the submitters: PubMed 17576681; PubMed 9536098.

NM_153460.4(IL17RC):c.762+6G>T

Gene: IL17RC (interleukin 17 receptor C; plus strand). Cytogenetic location: 3p25.3.
Variant type: single nucleotide variant.
Coding change: c.762+6G>T on transcript NM_153460.4 (MANE Select); 6 bases into the intron after coding-DNA position 762, G replaced by T.
Molecular consequence: intron variant. On other transcripts: non-coding transcript variant (1).
Genome position (GRCh38, 1-based): chr3:9,924,026, G>T. VCF-style: chr3-9924026-G-T. GRCh37 (hg19) VCF-style: chr3-9965710-G-T.
Other names: c.975+6G>T (NM_153461.4); c.762+6G>T (NM_001203263.2, NM_001203264.2); c.723+45G>T (NM_001367278.1); c.717+6G>T (NM_032732.6, NM_001367280.1, NM_001203265.2 and 1 more transcripts); c.642+6G>T (NM_001367279.1).
Identifiers: ClinVar variation 3020455 (VCV003020455.3), dbSNP rs377173896, ClinGen allele CA2246952.